The following is an entry in ClinVar:

NM_001853.4(COL9A3):c.98C>A (p.Pro33His)

Gene: COL9A3 (collagen type IX alpha 3 chain; plus strand). Cytogenetic location: 20q13.33.
Variant type: single nucleotide variant.
Coding change: c.98C>A on transcript NM_001853.4 (MANE Select); coding-DNA position 98, C replaced by A.
Protein change: p.Pro33His; replaces proline 33 with histidine.
Molecular consequence: missense variant.
Genome position (GRCh38, 1-based): chr20:62,817,586, C>A. VCF-style: chr20-62817586-C-A. GRCh37 (hg19) VCF-style: chr20-61448938-C-A.
Other names: c.98C>A (NM_001853.3); short protein forms P33H.
Identifiers: ClinVar variation 1352708 (VCV001352708.7), dbSNP rs1042345744, ClinGen allele CA317319377.

ClinVar aggregate classification (germline): Uncertain significance. Review status: criteria provided, multiple submitters, no conflicts (2 of 4 stars). 2 submissions from 2 submitters: Uncertain significance (2). Last evaluated 2024-09-04.

Allele frequency attached by ClinVar (database versions not stated): TOPMed below 0.00001; gnomAD exomes 0.00001.
gnomAD v4.1: 3 of 1,540,640 alleles (0.00019%); highest among the groups gnomAD compares: African/African-American, 0.0041%; no homozygotes.

Submissions (2):

GeneDx
Classification: Uncertain significance. Last evaluated: 2024-09-04. Review status: criteria provided, single submitter. Criteria: GeneDx Variant Classification Process June 2021. Collection method: clinical testing. Allele origin: germline. Affected: yes.
Comment: Not observed at significant frequency in large population cohorts (gnomAD); In silico analysis supports that this missense variant has a deleterious effect on protein structure/function; Has not been previously published as pathogenic or benign to our knowledge

Labcorp Genetics (formerly Invitae), Labcorp
Classification: Uncertain significance. Last evaluated: 2021-12-09. Review status: criteria provided, single submitter. Criteria: Invitae Variant Classification Sherloc (09022015). Collection method: clinical testing. Allele origin: germline.
Comment: This variant is present in population databases (no rsID available, gnomAD 0.02%). In summary, the available evidence is currently insufficient to determine the role of this variant in disease. Therefore, it has been classified as a Variant of Uncertain Significance. Advanced modeling of protein sequence and biophysical properties (such as structural, functional, and spatial information, amino acid conservation, physicochemical variation, residue mobility, and thermodynamic stability) performed at Invitae indicates that this missense variant is not expected to disrupt COL9A3 protein function. This variant has not been reported in the literature in individuals affected with COL9A3-related conditions. This sequence change replaces proline, which is neutral and non-polar, with histidine, which is basic and polar, at codon 33 of the COL9A3 protein (p.Pro33His).